The following is an entry in ClinVar:

NM_182961.4(SYNE1):c.15140G>T (p.Ser5047Ile)

Gene: SYNE1 (spectrin repeat containing nuclear envelope protein 1; minus strand). Cytogenetic location: 6q25.2.
Variant type: single nucleotide variant.
Coding change: c.15140G>T on transcript NM_182961.4 (MANE Select); coding-DNA position 15140, G replaced by T.
Protein change: p.Ser5047Ile; replaces serine 5047 with isoleucine.
Molecular consequence: missense variant.
Genome position (GRCh38, 1-based): chr6:152,326,449, C>A on the plus strand (G>T on the coding strand, the complement: SYNE1 is on the minus strand). VCF-style: chr6-152326449-C-A. GRCh37 (hg19) VCF-style: chr6-152647584-C-A.
Other names: c.14927G>T, p.Ser4976Ile (NM_033071.5); short protein forms S5047I, S4976I.
Identifiers: ClinVar variation 2046996 (VCV002046996.4), dbSNP rs2096069067, ClinGen allele CA366093622.

ClinVar aggregate classification (germline): Uncertain significance (1 of 4 stars; one submission).

Conditions:
Emery-Dreifuss muscular dystrophy 4, autosomal dominant (EDMD4). Also called: EMERY-DREIFUSS MUSCULAR DYSTROPHY 4 WITH VARIABLE FEATURES. Identifiers: Orphanet 261, MedGen C2751807, MONDO:0013071, OMIM 612998.
Autosomal recessive ataxia, Beauce type. Also called: SYNE1 Deficiency; Spinocerebellar ataxia, autosomal recessive 8; ATAXIA, RECESSIVE, OF BEAUCE; SYNE1-Related Autosomal Recessive Cerebellar Ataxia. Identifiers: Orphanet 88644, MedGen C1853116, MONDO:0012549, OMIM 610743.

Allele frequency attached by ClinVar (database versions not stated): TOPMed below 0.00001.

Submission:

Labcorp Genetics (formerly Invitae), Labcorp
Classification: Uncertain significance for Emery-Dreifuss muscular dystrophy 4, autosomal dominant; Autosomal recessive ataxia, Beauce type. Last evaluated: 2024-12-09. Review status: criteria provided, single submitter. Criteria: Invitae Variant Classification Sherloc (09022015). Collection method: clinical testing. Allele origin: germline.
Comment: This sequence change replaces serine, which is neutral and polar, with isoleucine, which is neutral and non-polar, at codon 4976 of the SYNE1 protein (p.Ser4976Ile). This variant is not present in population databases (gnomAD no frequency). This variant has not been reported in the literature in individuals affected with SYNE1-related conditions. ClinVar contains an entry for this variant (Variation ID: 2046996). An algorithm developed to predict the effect of missense changes on protein structure and function (PolyPhen-2) suggests that this variant is likely to be tolerated. In summary, the available evidence is currently insufficient to determine the role of this variant in disease. Therefore, it has been classified as a Variant of Uncertain Significance.